The following is an entry in ClinVar:

ClinVar aggregate classification (germline): Likely pathogenic (0 of 4 stars; one submission).

Conditions:
Meckel syndrome, type 1 (MKS1). Also called: MECKEL-GRUBER SYNDROME, TYPE 1. Identifiers: Orphanet 564, MedGen C3714506, MONDO:0009571, OMIM 249000.

Submission:

Juha Muilu Group; Institute for Molecular Medicine Finland (FIMM)
Classification: Likely pathogenic for Meckel syndrome type1. Review status: no assertion criteria provided. Collection method: not provided. Allele origin: unknown.
Comment: FinDis database variant: This variant was not found or characterized by our laboratory, data were collected from public sources: see reference
ClinVar note: Converted during submission from probable-pathogenic to Likely pathogenic.

NM_017777.4(MKS1):c.1490G>A (p.Arg497Lys)

Gene: MKS1 (MKS transition zone complex subunit 1; minus strand). Cytogenetic location: 17q22.
Variant type: single nucleotide variant.
Coding change: c.1490G>A on transcript NM_017777.4 (MANE Select); coding-DNA position 1490, G replaced by A.
Protein change: p.Arg497Lys; replaces arginine 497 with lysine.
Molecular consequence: missense variant. On other transcripts: intron variant (2).
Genome position (GRCh38, 1-based): chr17:58,206,465, C>T on the plus strand (G>A on the coding strand, the complement: MKS1 is on the minus strand). VCF-style: chr17-58206465-C-T. GRCh37 (hg19) VCF-style: chr17-56283826-C-T.
Other names: c.881G>A, p.Arg294Lys (NM_001321268.2); c.1274-85G>A (NM_001330397.2); c.1408-85G>A (NM_001321269.2); short protein forms R497K, R294K.
Identifiers: ClinVar variation 56618 (VCV000056618.2), dbSNP rs386834045, ClinGen allele CA344745.